The following is an entry in ClinVar:

ClinVar aggregate classification (germline): Uncertain significance (1 of 4 stars; one submission).

Allele frequency attached by ClinVar (database versions not stated): gnomAD exomes 0.00001; TOPMed 0.00002; gnomAD 0.00003.
gnomAD v4.1: 31 of 1,614,052 alleles (0.0019%); highest among the groups gnomAD compares: Non-Finnish European, 0.0025%; no homozygotes.

Submission:

Labcorp Genetics (formerly Invitae), Labcorp
Classification: Uncertain significance. Last evaluated: 2022-08-23. Review status: criteria provided, single submitter. Criteria: Invitae Variant Classification Sherloc (09022015). Collection method: clinical testing. Allele origin: germline.
Comment: This sequence change falls in intron 22 of the ABCA4 gene. It does not directly change the encoded amino acid sequence of the ABCA4 protein. It affects a nucleotide within the consensus splice site. This variant is present in population databases (no rsID available, gnomAD 0.004%). This variant has not been reported in the literature in individuals affected with ABCA4-related conditions. ClinVar contains an entry for this variant (Variation ID: 843870). Variants that disrupt the consensus splice site are a relatively common cause of aberrant splicing (PMID: 17576681, 9536098). Algorithms developed to predict the effect of sequence changes on RNA splicing suggest that this variant is not likely to affect RNA splicing. In summary, the available evidence is currently insufficient to determine the role of this variant in disease. Therefore, it has been classified as a Variant of Uncertain Significance.

Literature cited by the submitters: PubMed 17576681; PubMed 9536098.

NM_000350.3(ABCA4):c.3328+5C>G

Gene: ABCA4 (ATP binding cassette subfamily A member 4; minus strand). Cytogenetic location: 1p22.1.
Variant type: single nucleotide variant.
Coding change: c.3328+5C>G on transcript NM_000350.3 (MANE Select); 5 bases into the intron after coding-DNA position 3328, C replaced by G.
Molecular consequence: intron variant.
Genome position (GRCh38, 1-based): chr1:94,042,756, G>C on the plus strand (C>G on the coding strand, the complement: ABCA4 is on the minus strand). VCF-style: chr1-94042756-G-C. GRCh37 (hg19) VCF-style: chr1-94508312-G-C.
Identifiers: ClinVar variation 843870 (VCV000843870.5), dbSNP rs1046246251, ClinGen allele CA26865374.